The following is an entry in ClinVar:

NM_033360.4(KRAS):c.491G>A (p.Arg164Gln)

Gene: KRAS (KRas proto-oncogene, GTPase; minus strand). Cytogenetic location: 12p12.1.
Variant type: single nucleotide variant.
Coding change: c.491G>A on transcript NM_033360.4 (MANE Plus Clinical); coding-DNA position 491, G replaced by A.
Protein change: p.Arg164Gln; replaces arginine 164 with glutamine.
Molecular consequence: missense variant. On other transcripts: intron variant (2).
Genome position (GRCh38, 1-based): chr12:25,215,520, C>T on the plus strand (G>A on the coding strand, the complement: KRAS is on the minus strand). VCF-style: chr12-25215520-C-T. GRCh37 (hg19) VCF-style: chr12-25368454-C-T.
Other names: c.491G>A (NM_033360.2); c.491G>A, p.Arg164Gln (NM_001369786.1); c.451-5609G>A (NM_001369787.1, NM_004985.5); short protein forms R164Q.
Identifiers: ClinVar variation 987793 (VCV000987793.28), dbSNP rs758575947, ClinGen allele CA6486860.

ClinVar aggregate classification (germline): Conflicting classifications of pathogenicity. Review status: criteria provided, conflicting classifications (1 of 4 stars). 3 submissions from 3 submitters: Uncertain significance (2); Likely benign (1). Last evaluated 2026-06-04.

Conditions:
Cardiovascular phenotype. Identifiers: MedGen CN230736.

Allele frequency attached by ClinVar (database versions not stated): TOPMed below 0.00001; ExAC 0.00001; gnomAD 0.00001; gnomAD exomes 0.00002.
gnomAD v4.1: 15 of 1,611,792 alleles (0.00093%); highest among the groups gnomAD compares: South Asian, 0.012%; no homozygotes.

Submissions (3):

Women's Health and Genetics/Laboratory Corporation of America, LabCorp
Classification: Uncertain significance. Last evaluated: 2026-06-04. Review status: criteria provided, single submitter. Criteria: LabCorp Variant Classification Summary - May 2015. Collection method: clinical testing. Allele origin: germline.
Comment: Variant summary: KRAS c.491G>A (p.Arg164Gln) results in a conservative amino acid change in the encoded protein sequence. Algorithms developed to predict the effect of missense changes on protein structure and function are either unavailable or do not agree on the potential impact of this missense change. The variant allele was found at a frequency of 2e-05 in 251168 control chromosomes (gnomAD). The available data on variant occurrences in the general population are insufficient to allow any conclusion about variant significance. To our knowledge, no occurrence of c.491G>A in individuals affected with Noonan Syndrome has been reported in the literature. Experimental evidence from Ras activating assays demonstrated the variant to act similarly to wild-type (Smith_2010). The following publication has been ascertained in the context of this evaluation (PMID: 20147967). ClinVar contains an entry for this variant (Variation ID: 987793). Based on the evidence outlined above, the variant was classified as uncertain significance.

Ambry Genetics
Classification: Likely benign for Cardiovascular phenotype. Last evaluated: 2024-10-03. Review status: criteria provided, single submitter. Criteria: Ambry Variant Classification Scheme 2023. Collection method: clinical testing. Allele origin: germline.

CeGaT Center for Human Genetics Tuebingen
Classification: Uncertain significance. Last evaluated: 2023-09-01. Review status: criteria provided, single submitter. Criteria: CeGaT Center For Human Genetics Tuebingen Variant Classification Criteria Version 2. Collection method: clinical testing. Allele origin: germline. Affected: yes. Observed: 1 variant allele.

Literature cited by the submitters: PubMed 20147967 (cited by Women's Health and Genetics/Laboratory Corporation of America, LabCorp); PubMed 26274561 (cited by Ambry Genetics); PubMed 26453300 (cited by Ambry Genetics); PubMed 31117243 (cited by Ambry Genetics).